The following is an entry in ClinVar:

NM_006231.4(POLE):c.1097T>G (p.Phe366Cys)

Gene: POLE (DNA polymerase epsilon, catalytic subunit; minus strand). Cytogenetic location: 12q24.33.
Variant type: single nucleotide variant.
Coding change: c.1097T>G on transcript NM_006231.4 (MANE Select); coding-DNA position 1097, T replaced by G.
Protein change: p.Phe366Cys; replaces phenylalanine 366 with cysteine.
Molecular consequence: missense variant.
Genome position (GRCh38, 1-based): chr12:132,675,744, A>C on the plus strand (T>G on the coding strand, the complement: POLE is on the minus strand). VCF-style: chr12-132675744-A-C. GRCh37 (hg19) VCF-style: chr12-133252330-A-C.
Other names: short protein forms F366C.
Identifiers: ClinVar variation 3899324 (VCV003899324.1).
Genomic context (GRCh38, chr12:132,675,744, plus strand): 5'-CCCTCCCTCTCAAATGCTGCCCAGTTACTCATAGAGAAGACACAGACTCACCAGTCAAAA[A>C]AGTCCCCGTTGTAGGTGACCATGATGGTGGGTTTGGTCTCCTGGACGTGTTCAAACCACC-3'
Protein context (NP_006222.2, residues 356-376): PTIMVTYNGD[Phe366Cys]FDWPFVEARA

ClinVar aggregate classification (germline): Uncertain significance (1 of 4 stars; one submission).

Conditions:
Hereditary cancer-predisposing syndrome. Also called: Neoplastic Syndromes, Hereditary; Tumor predisposition; Hereditary Cancer Syndrome; Hereditary neoplastic syndrome. Identifiers: Orphanet 140162, MedGen C0027672, MeSH D009386, MONDO:0015356.

Submission:

Unidad de Genética Molecular HGU Elche, Hospital General Universitario de Elche
Classification: Uncertain significance for Hereditary cancer-predisposing syndrome. Last evaluated: 2025-05-05. Review status: criteria provided, single submitter. Criteria: ACMG Guidelines, 2015. Collection method: clinical testing. Allele origin: germline. Affected: yes.
Comment: PP3 moderate; PM2 supporting